The following is an entry in ClinVar:

ClinVar aggregate classification (germline): Likely benign (1 of 4 stars; one submission).

Submission:

CeGaT Center for Human Genetics Tuebingen
Classification: Likely benign. Last evaluated: 2026-01-01. Review status: criteria provided, single submitter. Criteria: CeGaT Center For Human Genetics Tuebingen Variant Classification Criteria Version 2. Collection method: clinical testing. Allele origin: germline. Affected: yes. Observed: 1 variant allele.
Comment: ANKRD36: PM2:Supporting, BP4, BP7

NM_001354587.1(ANKRD36):c.5376C>T (p.Cys1792=)

Gene: ANKRD36 (ankyrin repeat domain 36; plus strand). Cytogenetic location: 2q11.2.
Variant type: single nucleotide variant.
Coding change: c.5376C>T on transcript NM_001354587.1 (MANE Select); coding-DNA position 5376, C replaced by T.
Protein change: p.Cys1792=; no amino-acid change (cysteine 1792 retained).
Molecular consequence: synonymous variant.
Genome position (GRCh38, 1-based): chr2:97,246,041, C>T. VCF-style: chr2-97246041-C-T. GRCh37 (hg19) VCF-style: chr2-97911778-C-T.
Identifiers: ClinVar variation 4821646 (VCV004821646.4).